The following is an entry in ClinVar:

NM_015158.5(KANK1):c.3897C>T (p.Asn1299=)

Gene: KANK1 (KN motif and ankyrin repeat domains 1; plus strand). Cytogenetic location: 9p24.3.
Variant type: single nucleotide variant.
Coding change: c.3897C>T on transcript NM_015158.5 (MANE Select); coding-DNA position 3897, C replaced by T.
Protein change: p.Asn1299=; no amino-acid change (asparagine 1299 retained).
Molecular consequence: synonymous variant. On other transcripts: non-coding transcript variant (1).
Genome position (GRCh38, 1-based): chr9:742,405, C>T. VCF-style: chr9-742405-C-T. GRCh37 (hg19) VCF-style: chr9-742405-C-T.
Other names: c.3897C>T, p.Asn1299= (NM_001256876.3, NM_001256877.3, NM_001354334.2); c.3657C>T, p.Asn1219= (NM_001354331.2); c.3843C>T, p.Asn1281= (NM_001354332.2); c.3423C>T, p.Asn1141= (NM_001354333.2, NM_001354335.2, NM_001354337.2 and 2 more transcripts); c.3129C>T, p.Asn1043= (NM_001354336.2); c.3369C>T, p.Asn1123= (NM_001354338.2, NM_001354340.2, NM_001354344.2); c.3183C>T, p.Asn1061= (NM_001354339.2, NM_001354342.2, NM_001354343.2).
Identifiers: ClinVar variation 1350282 (VCV001350282.8), dbSNP rs755985194, ClinGen allele CA4961217.

ClinVar aggregate classification (germline): Uncertain significance (1 of 4 stars; one submission).

Allele frequency attached by ClinVar (database versions not stated): gnomAD exomes 0.00002; ExAC 0.00003.
gnomAD v4.1: 25 of 1,609,220 alleles (0.0016%); highest among the groups gnomAD compares: African/African-American, 0.008%; no homozygotes.

Submission:

Labcorp Genetics (formerly Invitae), Labcorp
Classification: Uncertain significance. Last evaluated: 2022-03-02. Review status: criteria provided, single submitter. Criteria: Invitae Variant Classification Sherloc (09022015). Collection method: clinical testing. Allele origin: germline.
Comment: In summary, the available evidence is currently insufficient to determine the role of this variant in disease. Therefore, it has been classified as a Variant of Uncertain Significance. Algorithms developed to predict the effect of sequence changes on RNA splicing suggest that this variant is not likely to affect RNA splicing. This variant has not been reported in the literature in individuals affected with KANK1-related conditions. This variant is present in population databases (rs755985194, gnomAD 0.01%). This sequence change affects codon 1299 of the KANK1 mRNA. It is a 'silent' change, meaning that it does not change the encoded amino acid sequence of the KANK1 protein. It affects a nucleotide within the consensus splice site.